The following is an entry in ClinVar:

NM_080605.4(B3GALT6):c.799C>T (p.Arg267Trp)

Gene: B3GALT6 (beta-1,3-galactosyltransferase 6; plus strand). Cytogenetic location: 1p36.33.
Variant type: single nucleotide variant.
Coding change: c.799C>T on transcript NM_080605.4 (MANE Select); coding-DNA position 799, C replaced by T.
Protein change: p.Arg267Trp; replaces arginine 267 with tryptophan.
Molecular consequence: missense variant.
Genome position (GRCh38, 1-based): chr1:1,233,077, C>T. VCF-style: chr1-1233077-C-T. GRCh37 (hg19) VCF-style: chr1-1168457-C-T.
Other names: short protein forms R267W.
Identifiers: ClinVar variation 1904738 (VCV001904738.5), dbSNP rs1448290829, ClinGen allele CA337829633.

ClinVar aggregate classification (germline): Uncertain significance (1 of 4 stars; one submission).

Conditions:
Ehlers-Danlos syndrome, spondylodysplastic type, 2 (EDSSPD2). Also called: Ehlers-Danlos syndrome, progeroid type, 2. Identifiers: Orphanet 536467, Orphanet 75496, MedGen C3809210, MONDO:0014139, OMIM 615349.
Spondyloepimetaphyseal dysplasia with joint laxity (SEMDJL). Identifiers: MedGen C0432243, MONDO:0019675.

Allele frequency attached by ClinVar (database versions not stated): gnomAD exomes below 0.00001.

Submission:

Labcorp Genetics (formerly Invitae), Labcorp
Classification: Uncertain significance for Ehlers-Danlos syndrome, spondylodysplastic type, 2; Spondyloepimetaphyseal dysplasia with joint laxity. Last evaluated: 2022-10-19. Review status: criteria provided, single submitter. Criteria: Invitae Variant Classification Sherloc (09022015). Collection method: clinical testing. Allele origin: germline.
Comment: In summary, the available evidence is currently insufficient to determine the role of this variant in disease. Therefore, it has been classified as a Variant of Uncertain Significance. Advanced modeling of protein sequence and biophysical properties (such as structural, functional, and spatial information, amino acid conservation, physicochemical variation, residue mobility, and thermodynamic stability) performed at Invitae indicates that this missense variant is not expected to disrupt B3GALT6 protein function. This variant has not been reported in the literature in individuals affected with B3GALT6-related conditions. The frequency data for this variant in the population databases is considered unreliable, as metrics indicate poor data quality at this position in the gnomAD database. This sequence change replaces arginine, which is basic and polar, with tryptophan, which is neutral and slightly polar, at codon 267 of the B3GALT6 protein (p.Arg267Trp).